The following is an entry in ClinVar:

NM_006939.4(SOS2):c.763G>A (p.Val255Met)

Gene: SOS2 (SOS Ras/Rho guanine nucleotide exchange factor 2; minus strand). Cytogenetic location: 14q21.3.
Variant type: single nucleotide variant.
Coding change: c.763G>A on transcript NM_006939.4 (MANE Select); coding-DNA position 763, G replaced by A.
Protein change: p.Val255Met; replaces valine 255 with methionine.
Molecular consequence: missense variant.
Genome position (GRCh38, 1-based): chr14:50,182,558, C>T on the plus strand (G>A on the coding strand, the complement: SOS2 is on the minus strand). VCF-style: chr14-50182558-C-T. GRCh37 (hg19) VCF-style: chr14-50649276-C-T.
Other names: c.763G>A, p.Val255Met (NM_001411020.1); short protein forms V255M.
Identifiers: ClinVar variation 4709551 (VCV004709551.1).

ClinVar aggregate classification (germline): Uncertain significance (1 of 4 stars; one submission).

Conditions:
Noonan syndrome 9 (NS9). Identifiers: Orphanet 648, MedGen C4225282, MONDO:0014691, OMIM 616559.

Submission:

Labcorp Genetics (formerly Invitae), Labcorp
Classification: Uncertain significance for Noonan syndrome 9. Last evaluated: 2025-11-08. Review status: criteria provided, single submitter. Criteria: Invitae Variant Classification Sherloc (09022015). Collection method: clinical testing. Allele origin: germline.
Comment: This sequence change replaces valine, which is neutral and non-polar, with methionine, which is neutral and non-polar, at codon 255 of the SOS2 protein (p.Val255Met). This variant is not present in population databases (gnomAD no frequency). This variant has not been reported in the literature in individuals affected with SOS2-related conditions. Invitae Evidence Modeling of protein sequence and biophysical properties (such as structural, functional, and spatial information, amino acid conservation, physicochemical variation, residue mobility, and thermodynamic stability) indicates that this missense variant is not expected to disrupt SOS2 protein function with a negative predictive value of 95%. In summary, the available evidence is currently insufficient to determine the role of this variant in disease. Therefore, it has been classified as a Variant of Uncertain Significance.